The following is an entry in ClinVar:

NM_015898.4(ZBTB7A):c.258C>T (p.Thr86=)

Gene: ZBTB7A (zinc finger and BTB domain containing 7A; minus strand). Cytogenetic location: 19p13.3.
Variant type: single nucleotide variant.
Coding change: c.258C>T on transcript NM_015898.4 (MANE Select); coding-DNA position 258, C replaced by T.
Protein change: p.Thr86=; no amino-acid change (threonine 86 retained).
Molecular consequence: synonymous variant.
Genome position (GRCh38, 1-based): chr19:4,054,975, G>A on the plus strand (C>T on the coding strand, the complement: ZBTB7A is on the minus strand). VCF-style: chr19-4054975-G-A. GRCh37 (hg19) VCF-style: chr19-4054973-G-A.
Other names: c.258C>T, p.Thr86= (NM_001317990.2).
Identifiers: ClinVar variation 5039167 (VCV005039167.1).
Genomic context (GRCh38, chr19:4,054,975, plus strand): 5'-GTCACCCACGTTGGCTGTGCTGACGGTGAGCGTGGCCGTGTAGGCGAAGTCCATGAGCGC[G>A]GTGAGCGCCTCGGCGCTGACGAAGTCGATCTCGTACACGTTCTGCTGGTCCACCACGGCG-3'
Protein context (NP_056982.1, residues 76-96): EIDFVSAEAL[Thr86=]ALMDFAYTAT

ClinVar aggregate classification (germline): Likely benign (1 of 4 stars; one submission).

Submission:

CeGaT Center for Human Genetics Tuebingen
Classification: Likely benign. Last evaluated: 2026-07-01. Review status: criteria provided, single submitter. Criteria: CeGaT Center For Human Genetics Tuebingen Variant Classification Criteria Version 2. Collection method: clinical testing. Allele origin: germline. Affected: yes. Observed: 1 variant allele.
Comment: ZBTB7A: BP4, BP7, BS1